The following is an entry in ClinVar:

NM_033064.5(ATCAY):c.545-8C>T

Gene: ATCAY (ATCAY kinesin light chain interacting caytaxin; plus strand). Cytogenetic location: 19p13.3.
Variant type: single nucleotide variant.
Coding change: c.545-8C>T on transcript NM_033064.5 (MANE Select); 8 bases into the intron before coding-DNA position 545, C replaced by T.
Molecular consequence: intron variant.
Genome position (GRCh38, 1-based): chr19:3,908,260, C>T. VCF-style: chr19-3908260-C-T. GRCh37 (hg19) VCF-style: chr19-3908258-C-T.
Identifiers: ClinVar variation 782048 (VCV000782048.7), dbSNP rs370662253, ClinGen allele CA9087247.

ClinVar aggregate classification (germline): Benign/Likely benign. Review status: criteria provided, multiple submitters, no conflicts (2 of 4 stars). 2 submissions from 2 submitters: Benign (1); Likely benign (1). Last evaluated 2018-01-12.

Conditions:
Cayman type cerebellar ataxia. Also called: Cayman ataxia. Identifiers: Orphanet 94122, MedGen C1832585, MONDO:0011025, OMIM 601238.

Allele frequency attached by ClinVar (database versions not stated): gnomAD exomes 0.00035 and 0.00081; gnomAD 0.00036 and 0.00039; ESP Exome Variant Server 0.00039; TOPMed 0.00040; ExAC 0.00166.
gnomAD v4.1: 607 of 1,568,048 alleles (0.039%); highest among the groups gnomAD compares: Non-Finnish European, 0.0082%; 1 homozygote.

Submissions (2):

Illumina Laboratory Services, Illumina
Classification: Likely benign for Cayman type cerebellar ataxia. Last evaluated: 2018-01-12. Review status: criteria provided, single submitter. Criteria: ICSL Variant Classification Criteria 13 December 2019. Collection method: clinical testing. Allele origin: germline.
Comment: This variant was observed in the ICSL laboratory as part of a predisposition screen in an ostensibly healthy population. It had not been previously curated by ICSL or reported in the Human Gene Mutation Database (HGMD: prior to June 1st, 2018), and was therefore a candidate for classification through an automated scoring system. Utilizing variant allele frequency, disease prevalence and penetrance estimates, and inheritance mode, an automated score was calculated to assess if this variant is too frequent to cause the disease. Based on the score and internal cut-off values, a variant classified as likely benign is not then subjected to further curation. The score for this variant resulted in a classification of likely benign for this disease.

Labcorp Genetics (formerly Invitae), Labcorp
Classification: Benign. Last evaluated: 2017-06-08. Review status: criteria provided, single submitter. Criteria: Invitae Variant Classification Sherloc (09022015). Collection method: clinical testing. Allele origin: germline.